The following is an entry in ClinVar:

ClinVar aggregate classification (germline): Uncertain significance (1 of 4 stars; one submission).

Submission:

CeGaT Center for Human Genetics Tuebingen
Classification: Uncertain significance. Last evaluated: 2024-07-01. Review status: criteria provided, single submitter. Criteria: CeGaT Center For Human Genetics Tuebingen Variant Classification Criteria Version 2. Collection method: clinical testing. Allele origin: germline. Affected: yes. Observed: 1 variant allele.
Comment: GANAB: PM2

NM_198334.3(GANAB):c.2765A>G (p.Glu922Gly)

Gene: GANAB (glucosidase II alpha subunit; minus strand). Cytogenetic location: 11q12.3.
Variant type: single nucleotide variant.
Coding change: c.2765A>G on transcript NM_198334.3 (MANE Select); coding-DNA position 2765, A replaced by G.
Protein change: p.Glu922Gly; replaces glutamic acid 922 with glycine.
Molecular consequence: missense variant.
Genome position (GRCh38, 1-based): chr11:62,625,885, T>C on the plus strand (A>G on the coding strand, the complement: GANAB is on the minus strand). VCF-style: chr11-62625885-T-C. GRCh37 (hg19) VCF-style: chr11-62393357-T-C.
Other names: c.2474A>G, p.Glu825Gly (NM_001329223.2, NM_001278194.2, NM_001329222.2); c.2042A>G, p.Glu681Gly (NM_001329224.2, NM_001329225.2); c.2831A>G, p.Glu944Gly (NM_198335.4); c.2489A>G, p.Glu830Gly (NM_001278192.2); c.2423A>G, p.Glu808Gly (NM_001278193.2); short protein forms E681G, E808G, E825G, E830G, E922G, E944G.
Identifiers: ClinVar variation 3257427 (VCV003257427.17).